The following is an entry in ClinVar:

ClinVar aggregate classification (germline): Uncertain significance (1 of 4 stars; one submission).

Allele frequency attached by ClinVar (database versions not stated): gnomAD exomes below 0.00001.
gnomAD v4.1: 1 of 1,612,356 alleles (0.000062%); highest among the groups gnomAD compares: Non-Finnish European, 0.000085%; no homozygotes.

Submission:

Labcorp Genetics (formerly Invitae), Labcorp
Classification: Uncertain significance. Last evaluated: 2025-04-28. Review status: criteria provided, single submitter. Criteria: Invitae Variant Classification Sherloc (09022015). Collection method: clinical testing. Allele origin: germline.
Comment: This sequence change replaces valine, which is neutral and non-polar, with glycine, which is neutral and non-polar, at codon 456 of the LZTR1 protein (p.Val456Gly). This variant is not present in population databases (gnomAD no frequency). This missense change has been observed in individual(s) with clinical features of schwannomatosis (PMID: 24362817). ClinVar contains an entry for this variant (Variation ID: 2737021). Invitae Evidence Modeling of protein sequence and biophysical properties (such as structural, functional, and spatial information, amino acid conservation, physicochemical variation, residue mobility, and thermodynamic stability) indicates that this missense variant is not expected to disrupt LZTR1 protein function with a negative predictive value of 80%. In summary, the available evidence is currently insufficient to determine the role of this variant in disease. Therefore, it has been classified as a Variant of Uncertain Significance.

Literature cited by the submitters: PubMed 24362817.

NM_006767.4(LZTR1):c.1367T>G (p.Val456Gly)

Gene: LZTR1 (leucine zipper like post translational regulator 1; plus strand). Cytogenetic location: 22q11.21.
Variant type: single nucleotide variant.
Coding change: c.1367T>G on transcript NM_006767.4 (MANE Select); coding-DNA position 1367, T replaced by G.
Protein change: p.Val456Gly; replaces valine 456 with glycine.
Molecular consequence: missense variant.
Genome position (GRCh38, 1-based): chr22:20,993,937, T>G. VCF-style: chr22-20993937-T-G. GRCh37 (hg19) VCF-style: chr22-21348226-T-G.
Other names: short protein forms V456G.
Identifiers: ClinVar variation 2737021 (VCV002737021.3), dbSNP rs2518620387, ClinGen allele CA410775026.